The following is an entry in ClinVar:

NM_033124.5(DRC2):c.339C>G (p.Tyr113Ter)

Gene: DRC2 (dynein regulatory complex subunit 2; plus strand). Cytogenetic location: 12q13.12.
Variant type: single nucleotide variant.
Coding change: c.339C>G on transcript NM_033124.5 (MANE Select); coding-DNA position 339, C replaced by G.
Protein change: p.Tyr113Ter; replaces tyrosine 113 with a stop codon.
Molecular consequence: nonsense. On other transcripts: 5 prime UTR variant (1).
Genome position (GRCh38, 1-based): chr12:48,914,442, C>G. VCF-style: chr12-48914442-C-G. GRCh37 (hg19) VCF-style: chr12-49308225-C-G.
Other names: c.-91C>G (NM_001286957.2); short protein forms Y113*.
Identifiers: ClinVar variation 3620853 (VCV003620853.2).

ClinVar aggregate classification (germline): Pathogenic (1 of 4 stars; one submission).

Conditions:
Primary ciliary dyskinesia 27. Also called: CILIARY DYSKINESIA, PRIMARY, 27, WITHOUT SITUS INVERSUS. Identifiers: Orphanet 244, MedGen C3809701, MONDO:0014215, OMIM 615504.

Submission:

Labcorp Genetics (formerly Invitae), Labcorp
Classification: Pathogenic for Primary ciliary dyskinesia 27. Last evaluated: 2024-05-13. Review status: criteria provided, single submitter. Criteria: Invitae Variant Classification Sherloc (09022015). Collection method: clinical testing. Allele origin: germline.
Comment: This sequence change creates a premature translational stop signal (p.Tyr113*) in the CCDC65 gene. It is expected to result in an absent or disrupted protein product. Loss-of-function variants in CCDC65 are known to be pathogenic (PMID: 23991085, 24094744). This variant is not present in population databases (gnomAD no frequency). This variant has not been reported in the literature in individuals affected with CCDC65-related conditions. For these reasons, this variant has been classified as Pathogenic.

Literature cited by the submitters: PubMed 23991085; PubMed 24094744.